The following is an entry in ClinVar:

ClinVar aggregate classification (germline): Uncertain significance (1 of 4 stars; one submission).

Submission:

Ambry Genetics
Classification: Uncertain significance. Last evaluated: 2022-11-13. Review status: criteria provided, single submitter. Criteria: Ambry Variant Classification Scheme 2023. Collection method: clinical testing. Allele origin: germline.
Comment: The p.T1898A variant (also known as c.5692A>G), located in coding exon 17 of the POLQ gene, results from an A to G substitution at nucleotide position 5692. The threonine at codon 1898 is replaced by alanine, an amino acid with similar properties. This amino acid position is conserved. In addition, this alteration is predicted to be tolerated by in silico analysis. Since supporting evidence is limited at this time, the clinical significance of this alteration remains unclear.

NM_199420.4(POLQ):c.5692A>G (p.Thr1898Ala)

Gene: POLQ (DNA polymerase theta; minus strand). Cytogenetic location: 3q13.33.
Variant type: single nucleotide variant.
Coding change: c.5692A>G on transcript NM_199420.4 (MANE Select); coding-DNA position 5692, A replaced by G.
Protein change: p.Thr1898Ala; replaces threonine 1898 with alanine.
Molecular consequence: missense variant.
Genome position (GRCh38, 1-based): chr3:121,485,122, T>C on the plus strand (A>G on the coding strand, the complement: POLQ is on the minus strand). VCF-style: chr3-121485122-T-C. GRCh37 (hg19) VCF-style: chr3-121203969-T-C.
Other names: short protein forms T1898A.
Identifiers: ClinVar variation 2448907 (VCV002448907.2), dbSNP rs2546782965, ClinGen allele CA354089190.